The following is an entry in ClinVar:

ClinVar aggregate classification (germline): Benign/Likely benign. Review status: criteria provided, multiple submitters, no conflicts (2 of 4 stars). 4 submissions from 4 submitters: Benign (1); Likely benign (2). 1 of the submissions does not count toward it. Last evaluated 2026-01-19.

Conditions:
Neonatal diabetes mellitus with congenital hypothyroidism. Also called: NDH SYNDROME. Identifiers: Orphanet 79118, MedGen C1857775, MONDO:0012436, OMIM 610199.
GLIS3-related disorder. Also called: GLIS3-related condition.

Allele frequency attached by ClinVar (database versions not stated): gnomAD exomes 0.00027; ExAC 0.00032; gnomAD 0.00082 and 0.00086; TOPMed 0.00091; 1000 Genomes Project 30x 0.00109; 1000 Genomes Project 0.00120; ESP Exome Variant Server 0.00146.
gnomAD v4.1: 251 of 1,614,090 alleles (0.016%); highest among the groups gnomAD compares: African/African-American, 0.28%; 2 homozygotes.

Submissions (4):

Labcorp Genetics (formerly Invitae), Labcorp
Classification: Benign. Last evaluated: 2026-01-19. Review status: criteria provided, single submitter. Criteria: Invitae Variant Classification Sherloc (09022015). Collection method: clinical testing. Allele origin: germline.

PreventionGenetics, part of Exact Sciences
Classification: Likely benign for GLIS3-related condition. Last evaluated: 2026-01-06. Review status: criteria provided, single submitter. Criteria: ACMG Guidelines, 2015. Collection method: clinical testing. Allele origin: germline.
Comment: This variant is classified as likely benign based on ACMG/AMP sequence variant interpretation guidelines (Richards et al. 2015 PMID: 25741868, with internal and published modifications).

Fulgent Genetics
Classification: Likely benign for Neonatal diabetes mellitus with congenital hypothyroidism. Last evaluated: 2021-11-15. Review status: criteria provided, single submitter. Criteria: ACMG Guidelines, 2015. Collection method: clinical testing. Allele origin: unknown.

Genetic Services Laboratory, University of Chicago
Classification: Likely benign. Last evaluated: 2022-10-18. Review status: no assertion criteria provided. Collection method: clinical testing. Allele origin: germline. Affected: no. Not counted in ClinVar's aggregate classification.

NM_001042413.2(GLIS3):c.2340G>A (p.Arg780=)

Gene: GLIS3 (GLIS family zinc finger 3; minus strand). Cytogenetic location: 9p24.2.
Variant type: single nucleotide variant.
Coding change: c.2340G>A on transcript NM_001042413.2 (MANE Select); coding-DNA position 2340, G replaced by A.
Protein change: p.Arg780=; no amino-acid change (arginine 780 retained).
Molecular consequence: synonymous variant.
Genome position (GRCh38, 1-based): chr9:3,856,142, C>T on the plus strand (G>A on the coding strand, the complement: GLIS3 is on the minus strand). VCF-style: chr9-3856142-C-T. GRCh37 (hg19) VCF-style: chr9-3856142-C-T.
Other names: c.2340G>A (NM_001042413.1); c.1875G>A, p.Arg625= (NM_152629.4).
Identifiers: ClinVar variation 789018 (VCV000789018.13), dbSNP rs147473975, ClinGen allele CA4967823.
Genomic context (GRCh38, chr9:3,856,142, plus strand): 5'-TGGCTGCTGGGTATAGGGAGGCTGTGTTCTTTGCAGTATTGAAGAAGGAGCTGGAACTCT[C>T]CGGGGGCTGATGTGGTGAGGAGATGGAGCAGAAGGTGCAAACCTGAGAAAACAATTATAA-3'
Protein context (NP_001035878.1, residues 770-790): SAPSPHHISP[Arg780=]RVPAPSSILQ